The following is an entry in ClinVar:

NM_006904.7(PRKDC):c.10451C>T (p.Thr3484Ile)

Gene: PRKDC (protein kinase, DNA-activated, catalytic subunit; minus strand). Cytogenetic location: 8q11.21.
Variant type: single nucleotide variant.
Coding change: c.10451C>T on transcript NM_006904.7 (MANE Select); coding-DNA position 10451, C replaced by T.
Protein change: p.Thr3484Ile; replaces threonine 3484 with isoleucine.
Molecular consequence: missense variant.
Genome position (GRCh38, 1-based): chr8:47,798,244, G>A on the plus strand (C>T on the coding strand, the complement: PRKDC is on the minus strand). VCF-style: chr8-47798244-G-A. GRCh37 (hg19) VCF-style: chr8-48710805-G-A.
Other names: c.10451C>T, p.Thr3484Ile (NM_001081640.2); short protein forms T3484I.
Identifiers: ClinVar variation 1507907 (VCV001507907.6), dbSNP rs2087020924, ClinGen allele CA371134773.

ClinVar aggregate classification (germline): Uncertain significance (1 of 4 stars; one submission).

Conditions:
Severe combined immunodeficiency due to DNA-PKcs deficiency. Also called: IMMUNODEFICIENCY 26 WITH NEUROLOGIC ABNORMALITIES; Immunodeficiency 26 with or without neurologic abnormalities. Identifiers: Orphanet 317425, MedGen C4014833, MONDO:0014423, OMIM 615966.

Allele frequency attached by ClinVar (database versions not stated): gnomAD exomes below 0.00001; TOPMed below 0.00001; gnomAD 0.00001.
gnomAD v4.1: 6 of 1,611,312 alleles (0.00037%); highest among the groups gnomAD compares: Non-Finnish European, 0.00042%; no homozygotes.

Submission:

Labcorp Genetics (formerly Invitae), Labcorp
Classification: Uncertain significance for Severe combined immunodeficiency due to DNA-PKcs deficiency. Last evaluated: 2022-07-19. Review status: criteria provided, single submitter. Criteria: Invitae Variant Classification Sherloc (09022015). Collection method: clinical testing. Allele origin: germline.
Comment: This variant is not present in population databases (gnomAD no frequency). This variant has not been reported in the literature in individuals affected with PRKDC-related conditions. ClinVar contains an entry for this variant (Variation ID: 1507907). This sequence change replaces threonine with isoleucine at codon 3484 of the PRKDC protein (p.Thr3484Ile). The threonine residue is moderately conserved and there is a moderate physicochemical difference between threonine and isoleucine. Experimental studies and prediction algorithms are not available or were not evaluated, and the functional significance of this variant is currently unknown. In summary, the available evidence is currently insufficient to determine the role of this variant in disease. Therefore, it has been classified as a Variant of Uncertain Significance.